The following is an entry in ClinVar:

NM_001039.4(SCNN1G):c.1281G>T (p.Gln427His)

Gene: SCNN1G (sodium channel epithelial 1 subunit gamma; plus strand). Cytogenetic location: 16p12.2.
Variant type: single nucleotide variant.
Coding change: c.1281G>T on transcript NM_001039.4 (MANE Select); coding-DNA position 1281, G replaced by T.
Protein change: p.Gln427His; replaces glutamine 427 with histidine.
Molecular consequence: missense variant.
Genome position (GRCh38, 1-based): chr16:23,212,138, G>T. VCF-style: chr16-23212138-G-T. GRCh37 (hg19) VCF-style: chr16-23223459-G-T.
Other names: p.Gln427His; c.1281G>T (NM_001039.3); short protein forms Q427H.
Identifiers: ClinVar variation 3380377 (VCV003380377.4).

ClinVar aggregate classification (germline): Conflicting classifications of pathogenicity. Review status: criteria provided, conflicting classifications (1 of 4 stars). 4 submissions from 4 submitters: Uncertain significance (3); Likely benign (1). Last evaluated 2025-10-07.

Conditions:
Bronchiectasis with or without elevated sweat chloride 3 (BESC3). Identifiers: Orphanet 60033, MedGen C2751324, MONDO:0013112, OMIM 613071.
Pseudohypoaldosteronism, type IB3, autosomal recessive (PHA1B3). Identifiers: MedGen C5774256, MONDO:0859318, OMIM 620126.
Liddle syndrome 2. Identifiers: MedGen C4748251, MONDO:0020854, OMIM 618114.
Inborn genetic diseases. Identifiers: MedGen C0950123, MeSH D030342.

gnomAD v4.1: 183 of 1,610,916 alleles (0.011%); highest among the groups gnomAD compares: Non-Finnish European, 0.014%; no homozygotes.

Submissions (4):

Ambry Genetics
Classification: Uncertain significance for Inborn genetic diseases. Last evaluated: 2025-10-07. Review status: criteria provided, single submitter. Criteria: Ambry Variant Classification Scheme 2023. Collection method: clinical testing. Allele origin: germline.

Mayo Clinic Laboratories, Mayo Clinic
Classification: Uncertain significance. Last evaluated: 2024-05-15. Review status: criteria provided, single submitter. Criteria: ACMG Guidelines, 2015. Collection method: clinical testing. Allele origin: germline. Observed: 1 variant allele.
Comment: BP4

Fulgent Genetics
Classification: Uncertain significance for Bronchiectasis with or without elevated sweat chloride 3; Liddle syndrome 2; Pseudohypoaldosteronism, type IB3, autosomal recessive. Last evaluated: 2024-01-06. Review status: criteria provided, single submitter. Criteria: ACMG Guidelines, 2015. Collection method: clinical testing. Allele origin: germline.

Blueprint Genetics
Classification: Likely benign. Last evaluated: 2019-08-19. Review status: criteria provided, single submitter. Criteria: ACMG Guidelines, 2015. Collection method: clinical testing. Allele origin: germline.